The following is an entry in ClinVar:

NM_001211.6(BUB1B):c.1447G>C (p.Ala483Pro)

Gene: BUB1B (BUB1 mitotic checkpoint serine/threonine kinase B; plus strand). Cytogenetic location: 15q15.1.
Variant type: single nucleotide variant.
Coding change: c.1447G>C on transcript NM_001211.6 (MANE Select); coding-DNA position 1447, G replaced by C.
Protein change: p.Ala483Pro; replaces alanine 483 with proline.
Molecular consequence: missense variant.
Genome position (GRCh38, 1-based): chr15:40,200,289, G>C. VCF-style: chr15-40200289-G-C. GRCh37 (hg19) VCF-style: chr15-40492490-G-C.
Other names: short protein forms A483P.
Identifiers: ClinVar variation 1772825 (VCV001772825.3), dbSNP rs1014155529, ClinGen allele CA391689826.

ClinVar aggregate classification (germline): Uncertain significance (1 of 4 stars; one submission).

Conditions:
Inborn genetic diseases. Identifiers: MedGen C0950123, MeSH D030342.

Submission:

Ambry Genetics
Classification: Uncertain significance for Inborn genetic diseases. Last evaluated: 2025-10-11. Review status: criteria provided, single submitter. Criteria: Ambry Variant Classification Scheme 2023. Collection method: clinical testing. Allele origin: germline.
Comment: The p.A483P variant (also known as c.1447G>C), located in coding exon 11 of the BUB1B gene, results from a G to C substitution at nucleotide position 1447. The alanine at codon 483 is replaced by proline, an amino acid with highly similar properties. This amino acid position is conserved. In addition, this alteration is predicted to be tolerated by in silico analysis. Since supporting evidence is limited at this time, the clinical significance of this alteration remains unclear.